The following is an entry in ClinVar:

NM_181703.4(GJA5):c.1016G>A (p.Ser339Asn)

Gene: GJA5 (gap junction protein alpha 5; minus strand). Cytogenetic location: 1q21.2.
Variant type: single nucleotide variant.
Coding change: c.1016G>A on transcript NM_181703.4 (MANE Select); coding-DNA position 1016, G replaced by A.
Protein change: p.Ser339Asn; replaces serine 339 with asparagine.
Molecular consequence: missense variant.
Genome position (GRCh38, 1-based): chr1:147,758,223, C>T on the plus strand (G>A on the coding strand, the complement: GJA5 is on the minus strand). VCF-style: chr1-147758223-C-T. GRCh37 (hg19) VCF-style: chr1-147230331-C-T.
Other names: c.1016G>A, p.Ser339Asn (NM_005266.7); c.1016G>A (NM_005266.5); short protein forms S339N.
Identifiers: ClinVar variation 1391155 (VCV001391155.7), dbSNP rs782195867, ClinGen allele CA1065659.

ClinVar aggregate classification (germline): Uncertain significance. Review status: criteria provided, multiple submitters, no conflicts (2 of 4 stars). 2 submissions from 2 submitters: Uncertain significance (2). Last evaluated 2024-11-21.

Conditions:
Inborn genetic diseases. Identifiers: MedGen C0950123, MeSH D030342.
Atrial standstill 1 (ATRST1). Also called: ATRIAL CARDIOMYOPATHY WITH HEART BLOCK; CARDIOMYOPATHY, FAMILIAL, WITH CONDUCTION DISTURBANCE; Atrial standstill, digenic (GJA5/SCN5A). Identifiers: Orphanet 1344, MedGen C4551959, MONDO:0007171, OMIM 108770.
Atrial fibrillation, familial, 11 (ATFB11). Identifiers: MedGen C3279693, MONDO:0013544, OMIM 614049.

Allele frequency attached by ClinVar (database versions not stated): TOPMed 0.00001; ExAC 0.00002; gnomAD exomes 0.00002.

Submissions (2):

Ambry Genetics
Classification: Uncertain significance for Inborn genetic diseases. Last evaluated: 2024-11-21. Review status: criteria provided, single submitter. Criteria: Ambry Variant Classification Scheme 2023. Collection method: clinical testing. Allele origin: germline.

Labcorp Genetics (formerly Invitae), Labcorp
Classification: Uncertain significance for Atrial fibrillation, familial, 11; Atrial standstill 1. Last evaluated: 2024-10-10. Review status: criteria provided, single submitter. Criteria: Invitae Variant Classification Sherloc (09022015). Collection method: clinical testing. Allele origin: germline.
Comment: This sequence change replaces serine, which is neutral and polar, with asparagine, which is neutral and polar, at codon 339 of the GJA5 protein (p.Ser339Asn). This variant is present in population databases (rs782195867, gnomAD 0.01%). This variant has not been reported in the literature in individuals affected with GJA5-related conditions. ClinVar contains an entry for this variant (Variation ID: 1391155). An algorithm developed to predict the effect of missense changes on protein structure and function outputs the following: PolyPhen-2: "Not Available". The asparagine amino acid residue is found in multiple mammalian species, which suggests that this missense change does not adversely affect protein function. In summary, the available evidence is currently insufficient to determine the role of this variant in disease. Therefore, it has been classified as a Variant of Uncertain Significance.